The following is an entry in ClinVar:

ClinVar aggregate classification (germline): Pathogenic. Review status: criteria provided, multiple submitters, no conflicts (2 of 4 stars). 3 submissions from 3 submitters: Pathogenic (2). 1 of the submissions does not count toward it. Last evaluated 2026-01-23.

Conditions:
Joubert syndrome and related disorders. Identifiers: Orphanet 140874, MedGen C5679612, MONDO:0015369.
Joubert syndrome. Also called: JOUBERT-BOLTSHAUSER SYNDROME; Familial aplasia of the vermis. Identifiers: Orphanet 475, MedGen C5979921, MONDO:0018772.
Meckel-Gruber syndrome. Also called: DYSENCEPHALIA SPLANCHNOCYSTICA; GRUBER SYNDROME; Dysencephalia splachnocystica. Identifiers: Orphanet 564, MedGen C0265215, MONDO:0018921.
CC2D2A-related disorder. Also called: CC2D2A-related condition; CC2D2A-related disorders. Identifiers: MedGen CN239313.

Allele frequency attached by ClinVar (database versions not stated): gnomAD exomes below 0.00001; TOPMed below 0.00001.

Submissions (3):

Labcorp Genetics (formerly Invitae), Labcorp
Classification: Pathogenic for Joubert syndrome; Meckel-Gruber syndrome. Last evaluated: 2026-01-23. Review status: criteria provided, single submitter. Criteria: Invitae Variant Classification Sherloc (09022015). Collection method: clinical testing. Allele origin: germline.
Comment: This sequence change creates a premature translational stop signal (p.Val682Serfs*49) in the CC2D2A gene. It is expected to result in an absent or disrupted protein product. Loss-of-function variants in CC2D2A are known to be pathogenic (PMID: 19777577). This variant is not present in population databases (gnomAD no frequency). This variant has not been reported in the literature in individuals affected with CC2D2A-related conditions. ClinVar contains an entry for this variant (Variation ID: 2939411). For these reasons, this variant has been classified as Pathogenic.

Myriad Genetics, Inc.
Classification: Pathogenic for Joubert syndrome and related disorders. Last evaluated: 2024-11-30. Review status: criteria provided, single submitter. Criteria: Myriad Autosomal Dominant, Autosomal Recessive and X-Linked Classification Criteria (2023). Collection method: clinical testing. Allele origin: unknown.
Comment: NM_001080522.2(CC2D2A):c.2043dupA(V682Sfs*49) is expected to be pathogenic in the context of CC2D2A-related disorders. This variant is predicted to lead to an abnormal or absent protein product due to the creation of a premature termination codon in CC2D2A, a gene where loss-of-function variants are known to be pathogenic. Please note: this variant was assessed in the context of healthy population screening.

PreventionGenetics, part of Exact Sciences
Classification: Pathogenic for CC2D2A-related condition. Last evaluated: 2024-09-25. Review status: no assertion criteria provided. Collection method: clinical testing. Allele origin: germline. Not counted in ClinVar's aggregate classification.
Comment: The CC2D2A c.2043dupA variant is predicted to result in a frameshift and premature protein termination (p.Val682Serfs*49). To our knowledge, this variant has not been reported in the literature or in the large population database gnomAD, indicating this variant is rare. Frameshift variants in CC2D2A are an established mechanism of disease. This variant is interpreted as pathogenic.

Literature cited by the submitters: PubMed 19777577 (cited by Labcorp Genetics (formerly Invitae), Labcorp).

NM_001378615.1(CC2D2A):c.2043dup (p.Val682fs)

Genes: CC2D2A (coiled-coil and C2 domain containing 2A; plus strand), FBXL5 (F-box and leucine rich repeat protein 5; minus strand). Cytogenetic location: 4p15.32.
Variant type: Duplication.
Coding change: c.2043dup on transcript NM_001378615.1 (MANE Select); coding-DNA position 2043, one base duplicated (A; older notation c.2043dupA).
Protein change: p.Val682fs; shifts the reading frame from valine 682.
Molecular consequence: frameshift variant.
Genome position (GRCh38, 1-based): chr4:15,540,876, A duplicated. VCF-style (leftmost placement, unchanged base first): chr4-15540875-C-CA. GRCh37 (hg19) VCF-style: chr4-15542498-C-CA.
Other names: c.2043dupA (NM_001080522.2); c.2043dup, p.Val682fs (NM_001080522.2); c.1896dup, p.Val633fs (NM_001378617.1); short protein forms V633fs, V682fs.
Identifiers: ClinVar variation 2939411 (VCV002939411.5), dbSNP rs1718392791, ClinGen allele CA1440688325.